The following is an entry in ClinVar:

NM_004380.3(CREBBP):c.12C>G (p.Asn4Lys)

Gene: CREBBP (CREB binding lysine acetyltransferase; minus strand). Cytogenetic location: 16p13.3.
Variant type: single nucleotide variant.
Coding change: c.12C>G on transcript NM_004380.3 (MANE Select); coding-DNA position 12, C replaced by G.
Protein change: p.Asn4Lys; replaces asparagine 4 with lysine.
Molecular consequence: missense variant.
Genome position (GRCh38, 1-based): chr16:3,879,905, G>C on the plus strand (C>G on the coding strand, the complement: CREBBP is on the minus strand). VCF-style: chr16-3879905-G-C. GRCh37 (hg19) VCF-style: chr16-3929906-G-C.
Other names: c.12C>G, p.Asn4Lys (NM_001079846.1); short protein forms N4K.
Identifiers: ClinVar variation 4526348 (VCV004526348.1).

ClinVar aggregate classification (germline): Uncertain significance (1 of 4 stars; one submission).

Submission:

Centre of Medical Genetics, University Hospital Muenster
Classification: Uncertain significance. Last evaluated: 2025-02-27. Review status: criteria provided, single submitter. Criteria: ACMG Guidelines, 2015. Collection method: clinical testing. Allele origin: unknown. Affected: yes. Observed: 1 variant allele, 1 heterozygote.
Comment: ACMG categories: PM2,PP2,PP3